The following is an entry in ClinVar:

ClinVar aggregate classification (germline): Uncertain significance (1 of 4 stars; one submission).

Conditions:
Glycogen storage disease due to muscle and heart glycogen synthase deficiency. Also called: GSD 0b; MUSCLE GLYCOGEN SYNTHASE DEFICIENCY. Identifiers: Orphanet 137625, MedGen C1969054, MONDO:0012693, OMIM 611556.

gnomAD v4.1: 1 of 1,612,492 alleles (0.000062%); highest among the groups gnomAD compares: South Asian, 0.0011%; no homozygotes.

Submission:

Labcorp Genetics (formerly Invitae), Labcorp
Classification: Uncertain significance for Glycogen storage disease due to muscle and heart glycogen synthase deficiency. Last evaluated: 2022-06-04. Review status: criteria provided, single submitter. Criteria: Invitae Variant Classification Sherloc (09022015). Collection method: clinical testing. Allele origin: germline.
Comment: This sequence change replaces glycine, which is neutral and non-polar, with serine, which is neutral and polar, at codon 382 of the GYS1 protein (p.Gly382Ser). In summary, the available evidence is currently insufficient to determine the role of this variant in disease. Therefore, it has been classified as a Variant of Uncertain Significance. Algorithms developed to predict the effect of missense changes on protein structure and function are either unavailable or do not agree on the potential impact of this missense change (SIFT: "Deleterious"; PolyPhen-2: "Probably Damaging"; Align-GVGD: "Class C0"). ClinVar contains an entry for this variant (Variation ID: 944904). This variant has not been reported in the literature in individuals affected with GYS1-related conditions. This variant is present in population databases (no rsID available, gnomAD 0.003%).

NM_002103.5(GYS1):c.1144G>A (p.Gly382Ser)

Gene: GYS1 (glycogen synthase 1; minus strand). Cytogenetic location: 19q13.33.
Variant type: single nucleotide variant.
Coding change: c.1144G>A on transcript NM_002103.5 (MANE Select); coding-DNA position 1144, G replaced by A.
Protein change: p.Gly382Ser; replaces glycine 382 with serine.
Molecular consequence: missense variant. On other transcripts: non-coding transcript variant (1).
Genome position (GRCh38, 1-based): chr19:48,981,555, C>T on the plus strand (G>A on the coding strand, the complement: GYS1 is on the minus strand). VCF-style: chr19-48981555-C-T. GRCh37 (hg19) VCF-style: chr19-49484812-C-T.
Other names: c.952G>A, p.Gly318Ser (NM_001161587.2); short protein forms G318S, G382S.
Identifiers: ClinVar variation 944904 (VCV000944904.9), dbSNP rs1172290122, ClinGen allele CA406763063.